The following is an entry in ClinVar:

ClinVar aggregate classification (germline): Uncertain significance. Review status: criteria provided, multiple submitters, no conflicts (2 of 4 stars). 2 submissions from 2 submitters: Uncertain significance (2). Last evaluated 2024-03-06.

Conditions:
Hereditary cancer-predisposing syndrome. Also called: Neoplastic Syndromes, Hereditary; Tumor predisposition; Hereditary Cancer Syndrome; Hereditary neoplastic syndrome. Identifiers: Orphanet 140162, MedGen C0027672, MeSH D009386, MONDO:0015356.

Submissions (2):

Color Diagnostics, LLC DBA Color Health
Classification: Uncertain significance for Hereditary cancer-predisposing syndrome. Last evaluated: 2024-03-06. Review status: criteria provided, single submitter. Criteria: ACMG Guidelines, 2015. Collection method: clinical testing. Allele origin: germline.
Comment: This missense variant replaces alanine with glycine at codon 435 of the BARD1 protein. Computational prediction suggests that this variant may have deleterious impact on protein structure and function (internally defined REVEL score threshold >= 0.7, PMID: 27666373). Splice site prediction tools suggest that this variant may not impact RNA splicing. To our knowledge, functional studies have not been performed for this variant. This variant has not been reported in individuals affected with hereditary cancer in the literature. This variant has not been identified in the general population by the Genome Aggregation Database (gnomAD). The available evidence is insufficient to determine the role of this variant in disease conclusively. Therefore, this variant is classified as a Variant of Uncertain Significance.

Ambry Genetics
Classification: Uncertain significance for Hereditary cancer-predisposing syndrome. Last evaluated: 2023-08-26. Review status: criteria provided, single submitter. Criteria: Ambry Variant Classification Scheme 2023. Collection method: clinical testing. Allele origin: germline.
Comment: The p.A435G variant (also known as c.1304C>G), located in coding exon 4 of the BARD1 gene, results from a C to G substitution at nucleotide position 1304. The alanine at codon 435 is replaced by glycine, an amino acid with similar properties. This amino acid position is conserved. In addition, this alteration is predicted to be deleterious by in silico analysis. Since supporting evidence is limited at this time, the clinical significance of this alteration remains unclear.

NM_000465.4(BARD1):c.1304C>G (p.Ala435Gly)

Gene: BARD1 (BRCA1 associated RING domain 1; minus strand). Cytogenetic location: 2q35.
Variant type: single nucleotide variant.
Coding change: c.1304C>G on transcript NM_000465.4 (MANE Select); coding-DNA position 1304, C replaced by G.
Protein change: p.Ala435Gly; replaces alanine 435 with glycine.
Molecular consequence: missense variant. On other transcripts: non-coding transcript variant (2), intron variant (3).
Genome position (GRCh38, 1-based): chr2:214,780,570, G>C on the plus strand (C>G on the coding strand, the complement: BARD1 is on the minus strand). VCF-style: chr2-214780570-G-C. GRCh37 (hg19) VCF-style: chr2-215645294-G-C.
Other names: c.1247C>G, p.Ala416Gly (NM_001282543.2); c.159-28015C>G (NM_001282548.2); c.215+16491C>G (NM_001282545.2); c.364+11727C>G (NM_001282549.2); c.1304C>G (NM_000465.2); short protein forms A435G, A416G.
Identifiers: ClinVar variation 924856 (VCV000924856.6), dbSNP rs1574815873, ClinGen allele CA350453222.